The following is an entry in ClinVar:

ClinVar aggregate classification (germline): Conflicting classifications of pathogenicity. Review status: criteria provided, conflicting classifications (1 of 4 stars). 3 submissions from 3 submitters: Likely pathogenic (1); Uncertain significance (2). Last evaluated 2025-08-17.

Conditions:
Familial cold autoinflammatory syndrome 2 (FCAS2). Identifiers: Orphanet 247868, MedGen C2673198, MONDO:0012724, OMIM 611762.
Autoinflammatory syndrome. Identifiers: Orphanet 93665, MedGen C3890737, MONDO:0019751.

Submissions (3):

Labcorp Genetics (formerly Invitae), Labcorp
Classification: Uncertain significance for Familial cold autoinflammatory syndrome 2. Last evaluated: 2025-08-17. Review status: criteria provided, single submitter. Criteria: Invitae Variant Classification Sherloc (09022015). Collection method: clinical testing. Allele origin: germline.
Comment: This sequence change creates a premature translational stop signal (p.Val730Glyfs*41) in the NLRP12 gene. It is expected to result in an absent or disrupted protein product. However, the current clinical and genetic evidence is not sufficient to establish whether loss-of-function variants in NLRP12 cause disease. This variant is present in population databases (rs771632319, gnomAD 0.02%). This variant has not been reported in the literature in individuals affected with NLRP12-related conditions. ClinVar contains an entry for this variant (Variation ID: 1413845). In summary, the available evidence is currently insufficient to determine the role of this variant in disease. Therefore, it has been classified as a Variant of Uncertain Significance.

GeneDx
Classification: Likely pathogenic. Last evaluated: 2025-03-13. Review status: criteria provided, single submitter. Criteria: GeneDx Variant Classification Process June 2021. Collection method: clinical testing. Allele origin: germline. Affected: yes.
Comment: Reported as a heterozygous variant in a patient with a diagnosis of Crohn's disease in the published literature (Chen et al., 2024); Published functional studies demonstrate a damaging effect through reduced expression and increased NF-kB activity in both in patient tissue and 2 cell line constructs (Chen et al., 2024); Frameshift variant predicted to result in protein truncation or nonsense mediated decay in a gene or region of a gene for which loss of function is not a well-established mechanism of disease; This variant is associated with the following publications: (PMID: Chen_2024_article)

Genome Diagnostics Laboratory, The Hospital for Sick Children
Classification: Uncertain significance for Autoinflammatory syndrome. Last evaluated: 2020-01-01. Review status: criteria provided, single submitter. Criteria: ACMG Guidelines, 2015. Collection method: clinical testing. Allele origin: germline. Affected: yes.

NM_144687.4(NLRP12):c.2188dup (p.Val730fs)

Gene: NLRP12 (NLR family pyrin domain containing 12; minus strand). Cytogenetic location: 19q13.42.
Variant type: Duplication.
Coding change: c.2188dup on transcript NM_144687.4 (MANE Select); coding-DNA position 2188, one base duplicated (G; older notation c.2188dupG).
Protein change: p.Val730fs; shifts the reading frame from valine 730.
Molecular consequence: frameshift variant.
Genome position (GRCh38, 1-based): chr19:53,807,550, C duplicated on the plus strand (G on the coding strand, the reverse complement: NLRP12 is on the minus strand); the first of 6 consecutive C bases (chr19:53,807,550-53,807,555); duplicating any one gives the same sequence. VCF-style (leftmost placement, unchanged base first): chr19-53807549-A-AC. GRCh37 (hg19) VCF-style: chr19-54310803-A-AC.
Other names: c.2191dup, p.Val731fs (NM_001277126.2); c.2188dup, p.Val730fs (NM_001277129.1); c.2188dup (NM_144687.2); short protein forms V730fs, V731fs.
Identifiers: ClinVar variation 1413845 (VCV001413845.10), dbSNP rs771632319, ClinGen allele CA9639192.